The following is an entry in ClinVar:

NM_004260.4(RECQL4):c.2156T>A (p.Leu719His)

Gene: RECQL4 (RecQ like helicase 4; minus strand). Cytogenetic location: 8q24.3.
Variant type: single nucleotide variant.
Coding change: c.2156T>A on transcript NM_004260.4 (MANE Select); coding-DNA position 2156, T replaced by A.
Protein change: p.Leu719His; replaces leucine 719 with histidine.
Molecular consequence: missense variant.
Genome position (GRCh38, 1-based): chr8:144,513,615, A>T on the plus strand (T>A on the coding strand, the complement: RECQL4 is on the minus strand). VCF-style: chr8-144513615-A-T. GRCh37 (hg19) VCF-style: chr8-145738999-A-T.
Other names: c.2156T>A (NM_004260.3); short protein forms L719H.
Identifiers: ClinVar variation 1026259 (VCV001026259.2), dbSNP rs1827665831, ClinGen allele CA372679717.

ClinVar aggregate classification (germline): Uncertain significance. Review status: criteria provided, multiple submitters, no conflicts (2 of 4 stars). 2 submissions from 2 submitters: Uncertain significance (2). Last evaluated 2025-07-10.

Conditions:
Inborn genetic diseases. Identifiers: MedGen C0950123, MeSH D030342.
Baller-Gerold syndrome (BGS). Also called: CRANIOSYNOSTOSIS WITH RADIAL DEFECTS. Identifiers: Orphanet 1225, MedGen C0265308, MONDO:0009039, OMIM 218600.

Allele frequency attached by ClinVar (database versions not stated): gnomAD exomes below 0.00001.

Submissions (2):

Ambry Genetics
Classification: Uncertain significance for Inborn genetic diseases. Last evaluated: 2025-07-10. Review status: criteria provided, single submitter. Criteria: Ambry Variant Classification Scheme 2023. Collection method: clinical testing. Allele origin: germline.
Comment: The p.L719H variant (also known as c.2156T>A), located in coding exon 13 of the RECQL4 gene, results from a T to A substitution at nucleotide position 2156. The leucine at codon 719 is replaced by histidine, an amino acid with similar properties. This amino acid position is conserved. In addition, this alteration is predicted to be deleterious by in silico analysis. Based on the available evidence, the clinical significance of this variant remains unclear.

Labcorp Genetics (formerly Invitae), Labcorp
Classification: Uncertain significance for Baller-Gerold syndrome. Last evaluated: 2020-03-05. Review status: criteria provided, single submitter. Criteria: Invitae Variant Classification Sherloc (09022015). Collection method: clinical testing. Allele origin: germline.
Comment: This sequence change replaces leucine with histidine at codon 719 of the RECQL4 protein (p.Leu719His). The leucine residue is highly conserved and there is a moderate physicochemical difference between leucine and histidine. This variant is not present in population databases (ExAC no frequency). This variant has not been reported in the literature in individuals with RECQL4-related conditions. Experimental studies and prediction algorithms are not available or were not evaluated, and the functional significance of this variant is currently unknown. In summary, the available evidence is currently insufficient to determine the role of this variant in disease. Therefore, it has been classified as a Variant of Uncertain Significance.